The following is an entry in ClinVar:

NM_000059.4(BRCA2):c.5985C>A (p.Asn1995Lys)

Gene: BRCA2 (BRCA2 DNA repair associated; plus strand). Cytogenetic location: 13q13.1.
Variant type: single nucleotide variant.
Coding change: c.5985C>A on transcript NM_000059.4 (MANE Select); coding-DNA position 5985, C replaced by A.
Protein change: p.Asn1995Lys; replaces asparagine 1995 with lysine.
Molecular consequence: missense variant.
Genome position (GRCh38, 1-based): chr13:32,340,340, C>A. VCF-style: chr13-32340340-C-A. GRCh37 (hg19) VCF-style: chr13-32914477-C-A.
Other names: c.5985C>A (NM_000059.3); short protein forms N1995K.
Identifiers: ClinVar variation 1526284 (VCV001526284.6), dbSNP rs374620036, ClinGen allele CA387787650.

ClinVar aggregate classification (germline): Conflicting classifications of pathogenicity. Review status: criteria provided, conflicting classifications (1 of 4 stars). 3 submissions from 3 submitters: Uncertain significance (1); Likely benign (2). Last evaluated 2023-11-16.

Conditions:
Breast-ovarian cancer, familial, susceptibility to, 2 (BROVCA2). Also called: BRCA2 Hereditary Breast and Ovarian Cancer. Identifiers: Orphanet 145, MedGen C2675520, MONDO:0012933, OMIM 612555. Disease mechanism: loss of function.
Hereditary cancer-predisposing syndrome. Also called: Tumor predisposition; Hereditary neoplastic syndrome; Neoplastic Syndromes, Hereditary; Hereditary Cancer Syndrome. Identifiers: Orphanet 140162, MedGen C0027672, MeSH D009386, MONDO:0015356.

Submissions (3):

Ambry Genetics
Classification: Likely benign for Hereditary cancer-predisposing syndrome. Last evaluated: 2023-11-16. Review status: criteria provided, single submitter. Criteria: Ambry Variant Classification Scheme 2023. Collection method: clinical testing. Allele origin: germline.

University of Washington Department of Laboratory Medicine, University of Washington
Classification: Likely benign for Hereditary cancer-predisposing syndrome. Last evaluated: 2023-03-23. Review status: criteria provided, single submitter. Criteria: Dines et al. (Genet Med. 2020). Collection method: curation. Allele origin: germline.
Comment: Missense variant in a coldspot region where missense variants are very unlikely to be pathogenic (PMID:31911673).

BRCA2 exon 11 coldspot. Reclassification based on statistical prior probability.

University of Science and Technology Houari Boumediene, Laboratory of Molecular and Cellular Biology (LBCM)
Classification: Uncertain significance for Breast-ovarian cancer, familial, susceptibility to, 2. Review status: criteria provided, single submitter. Criteria: ACMG Guidelines, 2015. Collection method: clinical testing. Allele origin: germline. Affected: yes. Observed: 3 heterozygotes.

Literature cited by the submitters: PubMed 20683152 (cited by University of Science and Technology Houari Boumediene, Laboratory of Molecular and Cellular Biology (LBCM)).